The following is an entry in ClinVar:

NM_001199107.2(TBC1D24):c.169C>T (p.Arg57Cys)

Gene: TBC1D24 (TBC1 domain family member 24; plus strand). Cytogenetic location: 16p13.3.
Variant type: single nucleotide variant.
Coding change: c.169C>T on transcript NM_001199107.2 (MANE Select); coding-DNA position 169, C replaced by T.
Protein change: p.Arg57Cys; replaces arginine 57 with cysteine.
Molecular consequence: missense variant.
Genome position (GRCh38, 1-based): chr16:2,496,317, C>T. VCF-style: chr16-2496317-C-T. GRCh37 (hg19) VCF-style: chr16-2546318-C-T.
Other names: p.R57C:CGC>TGC; c.169C>T, p.Arg57Cys (NM_020705.3); short protein forms R57C.
Identifiers: ClinVar variation 195364 (VCV000195364.101), dbSNP rs202162520, ClinGen allele CA241775.

ClinVar aggregate classification (germline): Conflicting classifications of pathogenicity. Review status: criteria provided, conflicting classifications (1 of 4 stars). 12 submissions from 12 submitters: Uncertain significance (3); Benign (3); Likely benign (4). 2 of the submissions do not count toward it. Last evaluated 2026-10-01.

Conditions:
Autosomal dominant nonsyndromic hearing loss 65. Also called: TBC1D24-Related Autosomal Dominant Nonsyndromic Hearing Loss (DFNA); Deafness, autosomal dominant 65. Identifiers: Orphanet 90635, MedGen C3892048, MONDO:0014470, OMIM 616044.
Developmental and epileptic encephalopathy, 1 (DEE1). Also called: Epileptic encephalopathy, early infantile, 1; West's syndrome; Tonic spasms with clustering, arrest of psychomotor development and hypsarrhythmia on EEG; X-Linked Infantile Spasm Syndrome; INFANTILE SPASM SYNDROME, X-LINKED 1; X-linked infantile spasms. Identifiers: MedGen C3463992, MONDO:0010632, OMIM 308350. Disease mechanism: loss of function.
Self-limited epilepsy with centrotemporal spikes. Also called: Childhood epilepsy with centrotemporal spikes; Rolandic epilepsy. Identifiers: Orphanet 1945, MedGen C0376532, MONDO:0007295.
TBC1D24-related disorder. Also called: TBC1D24-related condition; TBC1D24-related disorders. Identifiers: MedGen CN381194.
Inborn genetic diseases. Identifiers: MedGen C0950123, MeSH D030342.
Familial infantile myoclonic epilepsy (FIME). Also called: TBC1D24-Related Familial Infantile Myoclonic Epilepsy (FIME); Epilepsy, Myoclonic, Infantile. Identifiers: Orphanet 352582, MedGen C0917800, MONDO:0011506, OMIM 605021.

Allele frequency attached by ClinVar (database versions not stated): 1000 Genomes Project 30x 0.00016; 1000 Genomes Project 0.00020; gnomAD 0.00121; ESP Exome Variant Server 0.00196; TOPMed 0.00200; gnomAD exomes 0.00209.
gnomAD v4.1: 3,344 of 1,613,610 alleles (0.21%); highest among the groups gnomAD compares: Non-Finnish European, 0.23%; 5 homozygotes.

Submissions (12):

CeGaT Center for Human Genetics Tuebingen
Classification: Likely benign. Last evaluated: 2026-10-01. Review status: criteria provided, single submitter. Criteria: CeGaT Center For Human Genetics Tuebingen Variant Classification Criteria Version 2. Collection method: clinical testing. Allele origin: germline. Affected: yes. Observed: 22 variant alleles.
Comment: TBC1D24: BP4, BS2

Labcorp Genetics (formerly Invitae), Labcorp
Classification: Benign for Developmental and epileptic encephalopathy, 1; Autosomal dominant nonsyndromic hearing loss 65. Last evaluated: 2026-02-03. Review status: criteria provided, single submitter. Criteria: Invitae Variant Classification Sherloc (09022015). Collection method: clinical testing. Allele origin: germline.

Blueprint Genetics
Classification: Likely benign. Last evaluated: 2024-11-27. Review status: criteria provided, single submitter. Criteria: ACMG Guidelines, 2015. Collection method: clinical testing. Allele origin: germline.

ARUP Laboratories, Molecular Genetics and Genomics, ARUP Laboratories
Classification: Likely benign. Last evaluated: 2023-09-11. Review status: criteria provided, single submitter. Criteria: ARUP Molecular Germline Variant Investigation Process 2024. Collection method: clinical testing. Allele origin: germline.

GeneDx
Classification: Benign. Last evaluated: 2019-07-22. Review status: criteria provided, single submitter. Criteria: GeneDx Variant Classification (06012015). Collection method: clinical testing. Allele origin: germline. Affected: yes.
Comment: This variant is considered likely benign or benign based on one or more of the following criteria: it is a conservative change, it occurs at a poorly conserved position in the protein, it is predicted to be benign by multiple in silico algorithms, and/or has population frequency not consistent with disease.

Ambry Genetics
Classification: Uncertain significance for Inborn genetic diseases. Last evaluated: 2019-05-01. Review status: criteria provided, single submitter. Criteria: Ambry Variant Classification Scheme 2023. Collection method: clinical testing. Allele origin: germline.
Comment: The p.R57C variant (also known as c.169C>T), located in coding exon 1 of the TBC1D24 gene, results from a C to T substitution at nucleotide position 169. The arginine at codon 57 is replaced by cysteine, an amino acid with highly dissimilar properties. This amino acid position is not well conserved in available vertebrate species. In addition, this alteration is predicted to be tolerated by in silico analysis. Based on data from gnomAD, the T allele has an overall frequency of approximately 0.18% (507/27762) total alleles studied. The highest observed frequency was 1.06% (107/10138) of Ashkenazi Jewish alleles. Since supporting evidence is limited at this time, the clinical significance of this variant remains unclear.

Illumina Laboratory Services, Illumina
Classification: Likely benign for Familial infantile myoclonic epilepsy. Last evaluated: 2018-01-13. Review status: criteria provided, single submitter. Criteria: ICSL Variant Classification Criteria 13 December 2019. Collection method: clinical testing. Allele origin: germline.
Comment: This variant was observed in the ICSL laboratory as part of a predisposition screen in an ostensibly healthy population. It had not been previously curated by ICSL or reported in the Human Gene Mutation Database (HGMD: prior to June 1st, 2018), and was therefore a candidate for classification through an automated scoring system. Utilizing variant allele frequency, disease prevalence and penetrance estimates, and inheritance mode, an automated score was calculated to assess if this variant is too frequent to cause the disease. Based on the score and internal cut-off values, a variant classified as likely benign is not then subjected to further curation. The score for this variant resulted in a classification of likely benign for this disease.

Eurofins Ntd Llc (ga)
Classification: Uncertain significance. Last evaluated: 2017-02-08. Review status: criteria provided, single submitter. Criteria: EGL Classification Definitions 2015. Collection method: clinical testing. Allele origin: germline. Observed: 3 variant alleles, 3 heterozygotes.

Athena Diagnostics
Classification: Uncertain significance. Last evaluated: 2016-10-17. Review status: criteria provided, single submitter. Criteria: Athena Diagnostics Criteria. Collection method: clinical testing. Allele origin: germline.

Laboratory for Molecular Medicine, Mass General Brigham Personalized Medicine
Classification: Benign. Last evaluated: 2015-07-16. Review status: criteria provided, single submitter. Criteria: LMM Criteria. Collection method: clinical testing. Allele origin: germline. Observed: 8 variant alleles.
Comment: p.Arg57Cys in exon 2 of TBC1D24: This variant is not expected to have clinical s ignificance it has been identified in 0.3% (182/65958) of European chromosomes b y the Exome Aggregation Consortium (ExAC; dbSNP rs202162520).

PreventionGenetics, part of Exact Sciences
Classification: Benign for TBC1D24-related condition. Last evaluated: 2024-06-25. Review status: no assertion criteria provided. Collection method: clinical testing. Allele origin: germline. Not counted in ClinVar's aggregate classification.
Comment: This variant is classified as benign based on ACMG/AMP sequence variant interpretation guidelines (Richards et al. 2015 PMID: 25741868, with internal and published modifications).

Bioinformatics Core, Luxembourg Center for Systems Biomedicine
Classification: Pathogenic for Self-limited epilepsy with centrotemporal spikes. Last evaluated: 2017-01-01. Review status: no assertion criteria provided. Collection method: case-control. Allele origin: germline. Affected: yes. Study: EUROEPINOMICS COGIE. Not counted in ClinVar's aggregate classification.

Literature cited by the submitters: PubMed 29358611 (cited by Bioinformatics Core, Luxembourg Center for Systems Biomedicine).